The following is an entry in ClinVar:

NM_020975.6(RET):c.916G>C (p.Ala306Pro)

Gene: RET (ret proto-oncogene; plus strand). Cytogenetic location: 10q11.21.
Variant type: single nucleotide variant.
Coding change: c.916G>C on transcript NM_020975.6 (MANE Select); coding-DNA position 916, G replaced by C.
Protein change: p.Ala306Pro; replaces alanine 306 with proline.
Molecular consequence: missense variant. On other transcripts: intron variant (25).
Genome position (GRCh38, 1-based): chr10:43,106,424, G>C. VCF-style: chr10-43106424-G-C. GRCh37 (hg19) VCF-style: chr10-43601872-G-C.
Other names: c.154G>C, p.Ala52Pro (NM_001355216.2); c.916G>C, p.Ala306Pro (NM_001406743.1, NM_001406744.1, NM_001406759.1 and 4 more transcripts); c.787G>C, p.Ala263Pro (NM_001406761.1, NM_001406762.1, NM_001406764.1 and 1 more transcripts); c.628G>C, p.Ala210Pro (NM_001406766.1, NM_001406767.1, NM_001406770.1); c.867+1231G>C (NM_001406772.1, NM_001406769.1); c.626-2607G>C (NM_001406773.1, NM_001406771.1); c.625+3795G>C (NM_001406782.1, NM_001406780.1, NM_001406779.1 and 3 more transcripts); c.738+1231G>C (NM_001406774.1); and 5 more; short protein forms A210P, A263P, A306P, A52P.
Identifiers: ClinVar variation 3612340 (VCV003612340.3).

ClinVar aggregate classification (germline): Uncertain significance. Review status: criteria provided, multiple submitters, no conflicts (2 of 4 stars). 2 submissions from 2 submitters: Uncertain significance (2). Last evaluated 2025-01-09.

Conditions:
Multiple endocrine neoplasia, type 2 (MEN2). Identifiers: Orphanet 653, MedGen C4048306, MONDO:0019003. Disease mechanism: gain of function.
Hereditary cancer-predisposing syndrome. Also called: Hereditary Cancer Syndrome; Neoplastic Syndromes, Hereditary; Tumor predisposition; Hereditary neoplastic syndrome. Identifiers: Orphanet 140162, MedGen C0027672, MeSH D009386, MONDO:0015356.

Submissions (2):

Ambry Genetics
Classification: Uncertain significance for Hereditary cancer-predisposing syndrome. Last evaluated: 2025-01-09. Review status: criteria provided, single submitter. Criteria: Ambry Variant Classification Scheme 2023. Collection method: clinical testing. Allele origin: germline.
Comment: The p.A306P variant (also known as c.916G>C), located in coding exon 5 of the RET gene, results from a G to C substitution at nucleotide position 916. The alanine at codon 306 is replaced by proline, an amino acid with highly similar properties. This amino acid position is conserved. In addition, the in silico prediction for this alteration is inconclusive. Based on the available evidence, the clinical significance of this variant remains unclear.

Labcorp Genetics (formerly Invitae), Labcorp
Classification: Uncertain significance for Multiple endocrine neoplasia, type 2. Last evaluated: 2024-06-08. Review status: criteria provided, single submitter. Criteria: Invitae Variant Classification Sherloc (09022015). Collection method: clinical testing. Allele origin: germline.
Comment: This sequence change replaces alanine, which is neutral and non-polar, with proline, which is neutral and non-polar, at codon 306 of the RET protein (p.Ala306Pro). This variant is not present in population databases (gnomAD no frequency). This variant has not been reported in the literature in individuals affected with RET-related conditions. An algorithm developed to predict the effect of missense changes on protein structure and function (PolyPhen-2) suggests that this variant is likely to be disruptive. In summary, the available evidence is currently insufficient to determine the role of this variant in disease. Therefore, it has been classified as a Variant of Uncertain Significance.